The following is an entry in ClinVar:

ClinVar aggregate classification (germline): Conflicting classifications of pathogenicity. Review status: criteria provided, conflicting classifications (1 of 4 stars). 2 submissions from 2 submitters: Uncertain significance (1); Likely benign (1). Last evaluated 2025-03-27.

Conditions:
Peutz-Jeghers syndrome (PJS). Also called: POLYPOSIS, HAMARTOMATOUS INTESTINAL; POLYPS-AND-SPOTS SYNDROME; Peutz-Jeghers polyposis; Periorificial lentiginosis syndrome. Identifiers: Orphanet 2869, MedGen C0031269, MeSH D010580, MONDO:0008280, OMIM 175200.

Submissions (2):

Myriad Genetics, Inc.
Classification: Likely benign for Peutz-Jeghers syndrome. Last evaluated: 2025-03-27. Review status: criteria provided, single submitter. Criteria: Myriad Autosomal Dominant, Autosomal Recessive and X-Linked Classification Criteria (2023). Collection method: clinical testing. Allele origin: unknown.
Comment: This variant is considered likely benign. This variant is intronic and is not expected to impact mRNA splicing.

Labcorp Genetics (formerly Invitae), Labcorp
Classification: Uncertain significance for Peutz-Jeghers syndrome. Last evaluated: 2024-06-04. Review status: criteria provided, single submitter. Criteria: Invitae Variant Classification Sherloc (09022015). Collection method: clinical testing. Allele origin: germline.
Comment: This sequence change falls in intron 6 of the STK11 gene. It does not directly change the encoded amino acid sequence of the STK11 protein. It affects a nucleotide within the consensus splice site. This variant is not present in population databases (gnomAD no frequency). This variant has not been reported in the literature in individuals affected with STK11-related conditions. Variants that disrupt the consensus splice site are a relatively common cause of aberrant splicing (PMID: 17576681, 9536098). Algorithms developed to predict the effect of sequence changes on RNA splicing suggest that this variant is not likely to affect RNA splicing. In summary, the available evidence is currently insufficient to determine the role of this variant in disease. Therefore, it has been classified as a Variant of Uncertain Significance.

Literature cited by the submitters: PubMed 17576681 (cited by Labcorp Genetics (formerly Invitae), Labcorp); PubMed 9536098 (cited by Labcorp Genetics (formerly Invitae), Labcorp).

NM_000455.5(STK11):c.862+3G>A

Gene: STK11 (serine/threonine kinase 11; plus strand). Cytogenetic location: 19p13.3.
Variant type: single nucleotide variant.
Coding change: c.862+3G>A on transcript NM_000455.5 (MANE Select); 3 bases into the intron after coding-DNA position 862, G replaced by A.
Molecular consequence: intron variant.
Genome position (GRCh38, 1-based): chr19:1,221,343, G>A. VCF-style: chr19-1221343-G-A. GRCh37 (hg19) VCF-style: chr19-1221342-G-A.
Other names: c.862+3G>A (NM_001407255.1).
Identifiers: ClinVar variation 2783938 (VCV002783938.4), dbSNP rs2145427312, ClinGen allele CA2735567081.